The following is an entry in ClinVar:

ClinVar aggregate classification (germline): Uncertain significance. Review status: criteria provided, multiple submitters, no conflicts (2 of 4 stars). 3 submissions from 3 submitters: Uncertain significance (3). Last evaluated 2023-05-16.

Conditions:
Facioscapulohumeral muscular dystrophy 2 (FSHD2). Also called: MUSCULAR DYSTROPHY, FACIOSCAPULOHUMERAL, TYPE 1B; FACIOSCAPULOHUMERAL MUSCULAR DYSTROPHY 2, DIGENIC; FSHD2, DIGENIC. Identifiers: Orphanet 269, MedGen C1834671, MONDO:0008031, OMIM 158901.

gnomAD v4.1: 7 of 1,565,646 alleles (0.00045%); highest among the groups gnomAD compares: Admixed American, 0.0043%; no homozygotes.

Submissions (3):

Labcorp Genetics (formerly Invitae), Labcorp
Classification: Uncertain significance for Facioscapulohumeral muscular dystrophy 2. Last evaluated: 2023-05-16. Review status: criteria provided, single submitter. Criteria: Invitae Variant Classification Sherloc (09022015). Collection method: clinical testing. Allele origin: germline.
Comment: This sequence change replaces arginine, which is basic and polar, with leucine, which is neutral and non-polar, at codon 1669 of the SMCHD1 protein (p.Arg1669Leu). This variant is present in population databases (rs368367743, gnomAD 0.008%). This variant has not been reported in the literature in individuals affected with SMCHD1-related conditions. ClinVar contains an entry for this variant (Variation ID: 290452). Advanced modeling of protein sequence and biophysical properties (such as structural, functional, and spatial information, amino acid conservation, physicochemical variation, residue mobility, and thermodynamic stability) performed at Invitae indicates that this missense variant is not expected to disrupt SMCHD1 protein function. In summary, the available evidence is currently insufficient to determine the role of this variant in disease. Therefore, it has been classified as a Variant of Uncertain Significance.

Eurofins Ntd Llc (ga)
Classification: Uncertain significance. Last evaluated: 2017-07-03. Review status: criteria provided, single submitter. Criteria: EGL Classification Definitions 2015. Collection method: clinical testing. Allele origin: germline. Observed: 2 variant alleles, 2 heterozygotes.

GeneDx
Classification: Uncertain significance. Last evaluated: 2017-04-03. Review status: criteria provided, single submitter. Criteria: GeneDx Variant Classification (06012015). Collection method: clinical testing. Allele origin: germline. Affected: yes.
Comment: The R1669L variant in the SMCHD1 gen has not been reported previously as a pathogenic variant, nor as a benign variant, to our knowledge. This variant is not observed at a significant frequency in large population cohorts (Lek et al., 2016; 1000 Genomes Consortium et al., 2015; Exome Variant Server). The R1669L variant is a non-conservative amino acid substitution, which is likely to impact secondary protein structure as these residues differ in polarity, charge, size and/or other properties. This substitution occurs at a position where amino acids with similar properties to Arginine are tolerated across species. In silico analysis is inconsistent in its predictions as to whether or not the variant is damaging to the protein structure/function. We interpret R1669L as a variant of uncertain significance.

NM_015295.3(SMCHD1):c.5006G>T (p.Arg1669Leu)

Gene: SMCHD1 (structural maintenance of chromosomes flexible hinge domain containing 1; plus strand). Cytogenetic location: 18p11.32.
Variant type: single nucleotide variant.
Coding change: c.5006G>T on transcript NM_015295.3 (MANE Select); coding-DNA position 5006, G replaced by T.
Protein change: p.Arg1669Leu; replaces arginine 1669 with leucine.
Molecular consequence: missense variant.
Genome position (GRCh38, 1-based): chr18:2,771,572, G>T. VCF-style: chr18-2771572-G-T. GRCh37 (hg19) VCF-style: chr18-2771570-G-T.
Other names: short protein forms R1669L.
Identifiers: ClinVar variation 290452 (VCV000290452.9), dbSNP rs368367743, ClinGen allele CA8871639.
Genomic context (GRCh38, chr18:2,771,572, plus strand): 5'-ATTTTTGGTTTTTTATTTTAGGTCAAGTTGAAGAAGCAAGATTAAAAGAGGCCCAATTGC[G>T]AAATGAACTAAAAATACATAATATTGACATTCCTACAACACAACAGGTACAGCTTCCAAC-3'
Protein context (NP_056110.2, residues 1659-1679): EEARLKEAQL[Arg1669Leu]NELKIHNIDI